The following is an entry in ClinVar:

NM_001844.5(COL2A1):c.3344G>C (p.Arg1115Thr)

Gene: COL2A1 (collagen type II alpha 1 chain; minus strand). Cytogenetic location: 12q13.11.
Variant type: single nucleotide variant.
Coding change: c.3344G>C on transcript NM_001844.5 (MANE Select); coding-DNA position 3344, G replaced by C.
Protein change: p.Arg1115Thr; replaces arginine 1115 with threonine.
Molecular consequence: missense variant.
Genome position (GRCh38, 1-based): chr12:47,976,903, C>G on the plus strand (G>C on the coding strand, the complement: COL2A1 is on the minus strand). VCF-style: chr12-47976903-C-G. GRCh37 (hg19) VCF-style: chr12-48370686-C-G.
Other names: c.3137G>C, p.Arg1046Thr (NM_033150.3); short protein forms R1046T, R1115T.
Identifiers: ClinVar variation 1720304 (VCV001720304.5), dbSNP rs762238866, ClinGen allele CA384539120.

ClinVar aggregate classification (germline): Uncertain significance (1 of 4 stars; one submission).

Submission:

Labcorp Genetics (formerly Invitae), Labcorp
Classification: Uncertain significance. Last evaluated: 2022-10-03. Review status: criteria provided, single submitter. Criteria: Invitae Variant Classification Sherloc (09022015). Collection method: clinical testing. Allele origin: germline.
Comment: In summary, the available evidence is currently insufficient to determine the role of this variant in disease. Therefore, it has been classified as a Variant of Uncertain Significance. Advanced modeling of protein sequence and biophysical properties (such as structural, functional, and spatial information, amino acid conservation, physicochemical variation, residue mobility, and thermodynamic stability) has been performed at Invitae for this missense variant, however the output from this modeling did not meet the statistical confidence thresholds required to predict the impact of this variant on COL2A1 protein function. This variant has not been reported in the literature in individuals affected with COL2A1-related conditions. This variant is not present in population databases (gnomAD no frequency). This sequence change replaces arginine, which is basic and polar, with threonine, which is neutral and polar, at codon 1115 of the COL2A1 protein (p.Arg1115Thr).